The following is an entry in ClinVar:

NM_177438.3(DICER1):c.5114A>T (p.Glu1705Val)

Gene: DICER1 (dicer 1, ribonuclease III; minus strand). Cytogenetic location: 14q32.13.
Variant type: single nucleotide variant.
Coding change: c.5114A>T on transcript NM_177438.3 (MANE Select); coding-DNA position 5114, A replaced by T.
Protein change: p.Glu1705Val; replaces glutamic acid 1705 with valine.
Molecular consequence: missense variant.
Genome position (GRCh38, 1-based): chr14:95,094,138, T>A on the plus strand (A>T on the coding strand, the complement: DICER1 is on the minus strand). VCF-style: chr14-95094138-T-A. GRCh37 (hg19) VCF-style: chr14-95560475-T-A.
Other names: c.5114A>T, p.Glu1705Val (NM_001195573.1, NM_001271282.3, NM_001291628.2 and 1 more transcripts); short protein forms E1705V.
Identifiers: ClinVar variation 932989 (VCV000932989.4), dbSNP rs1890101135, ClinGen allele CA390865416.
Genomic context (GRCh38, chr14:95,094,138, plus strand): 5'-CGCGGGTCTTCATAAAGGTGCTTGGTTATGAGGTAGTCCAAAATCGCATCTCCCAGGAAT[T>A]CTAAGCGCTGGTAACAATCTGAGGGGATCCGAAGTGGAACCGTAAGCTTGTGCAGAAGCA-3'
Protein context (NP_803187.1, residues 1695-1715): NTITDCYQRL[Glu1705Val]FLGDAILDYL

ClinVar aggregate classification (germline): Pathogenic (1 of 4 stars; one submission).
ClinVar aggregate classification (somatic clinical impact): Tier I - Strong (1 of 4 stars; one submission).

Conditions:
DICER1-related tumor predisposition. Also called: DICER1-related pleuropulmonary blastoma cancer predisposition syndrome; DICER1 syndrome. Identifiers: Orphanet 284343, MedGen C3839822, MONDO:0100216.
Primary intracranial sarcoma, DICER1-mutant. Identifiers: MedGen C5670660, MONDO:0858967.

Allele frequency attached by ClinVar (database versions not stated): gnomAD exomes below 0.00001.
gnomAD v4.1: 1 of 1,614,134 alleles (0.000062%); highest among the groups gnomAD compares: Non-Finnish European, 0.000085%; no homozygotes.

Submissions (2):

Institute for Genomic Medicine (IGM) Clinical Laboratory, Nationwide Children's Hospital
Classification: Tier I - Strong for Primary intracranial sarcoma, DICER1-mutant. Assertion type: diagnostic. Clinical significance: supports diagnosis. Last evaluated: 2024-01-09. Review status: criteria provided, single submitter. Criteria: AMP/ASCO/CAP Guidelines, 2017. Collection method: clinical testing. Allele origin: somatic. Affected: yes.
Comment: Variant has Tier I (strong) clinical significance as a diagnostic inclusion criterion in primary intracranial sarcoma, DICER1-mutant, based on the following evidence: 1) Documented in one or more cancer databases (e.g., St. Jude Pecan, COSMIC, CIViC, OncoKB). 2) Appears in one or more well-established professional guidelines (e.g., World Health Organization [WHO]; National Comprehensive Cancer Network [NCCN]) as providing diagnostic, prognostic, or therapeutic information. 3) Diagnostic for a specific tumor type/classification according to professional guidelines (Evidence Level A; PMIDs: 29881993, 32291395, 36966138, 31487013, 34674226).

Foulkes Cancer Genetics LDI, Lady Davis Institute for Medical Research
Classification: Pathogenic for Pleuropulmonary blastoma. Last evaluated: 2019-07-01. Review status: criteria provided, single submitter. Criteria: ACMG Guidelines, 2015. Collection method: curation. Allele origin: somatic, unknown. Affected: yes. Observed: 5 variant alleles.
Comment: ACMG criteria met: PS3, PM1, PM2, PM7, PP3, PP4, BP1

Literature cited by the submitters: PubMed 29881993 (cited by Institute for Genomic Medicine (IGM) Clinical Laboratory, Nationwide Children's Hospital); PubMed 32291395 (cited by Institute for Genomic Medicine (IGM) Clinical Laboratory, Nationwide Children's Hospital); PubMed 36966138 (cited by Institute for Genomic Medicine (IGM) Clinical Laboratory, Nationwide Children's Hospital); PubMed 31487013 (cited by Institute for Genomic Medicine (IGM) Clinical Laboratory, Nationwide Children's Hospital); PubMed 34674226 (cited by Institute for Genomic Medicine (IGM) Clinical Laboratory, Nationwide Children's Hospital); PubMed 24675358 (cited by Foulkes Cancer Genetics LDI, Lady Davis Institute for Medical Research); PubMed 25231023 (cited by Foulkes Cancer Genetics LDI, Lady Davis Institute for Medical Research); PubMed 26841698 (cited by Foulkes Cancer Genetics LDI, Lady Davis Institute for Medical Research); PubMed 29187512 (cited by Foulkes Cancer Genetics LDI, Lady Davis Institute for Medical Research); PubMed 29660837 (cited by Foulkes Cancer Genetics LDI, Lady Davis Institute for Medical Research).